The following is an entry in ClinVar:

ClinVar aggregate classification (germline): Uncertain significance. Review status: criteria provided, multiple submitters, no conflicts (2 of 4 stars). 3 submissions from 3 submitters: Uncertain significance (3). Last evaluated 2026-01-19.

Allele frequency attached by ClinVar (database versions not stated): ExAC 0.00001; TOPMed 0.00002; gnomAD 0.00004; gnomAD exomes 0.00004.
gnomAD v4.1: 64 of 1,613,904 alleles (0.004%); highest among the groups gnomAD compares: Non-Finnish European, 0.0047%; no homozygotes.

Submissions (3):

Labcorp Genetics (formerly Invitae), Labcorp
Classification: Uncertain significance. Last evaluated: 2026-01-19. Review status: criteria provided, single submitter. Criteria: Invitae Variant Classification Sherloc (09022015). Collection method: clinical testing. Allele origin: germline.
Comment: This sequence change replaces threonine, which is neutral and polar, with methionine, which is neutral and non-polar, at codon 209 of the COQ8A protein (p.Thr209Met). This variant is present in population databases (rs764173526, gnomAD 0.006%). This missense change has been observed in individual(s) with clinical features of coenzyme Q10 deficiency (PMID: 34234304). ClinVar contains an entry for this variant (Variation ID: 618518). Invitae Evidence Modeling of protein sequence and biophysical properties (such as structural, functional, and spatial information, amino acid conservation, physicochemical variation, residue mobility, and thermodynamic stability) has been performed for this missense variant. However, the output from this modeling did not meet the statistical confidence thresholds required to predict the impact of this variant on COQ8A protein function. In summary, the available evidence is currently insufficient to determine the role of this variant in disease. Therefore, it has been classified as a Variant of Uncertain Significance.

Genetic Services Laboratory, University of Chicago
Classification: Uncertain significance. Last evaluated: 2019-07-09. Review status: criteria provided, single submitter. Criteria: ACMG Guidelines, 2015. Collection method: clinical testing. Allele origin: germline. Affected: no.

ARUP Laboratories, Molecular Genetics and Genomics, ARUP Laboratories
Classification: Uncertain significance. Last evaluated: 2017-11-27. Review status: criteria provided, single submitter. Criteria: ARUP Molecular Germline Variant Investigation Process. Collection method: clinical testing. Allele origin: germline.
Comment: The p.Thr209Met variant (rs764173526) has not been reported in the medical literature, is not listed in gene-specific variant databases, nor has it been previously identified in our laboratory. The p.Thr209Met variant is listed in the Genome Aggregation Database (gnomAD) browser with an overall allele frequency of 0.0033% (identified in 9 out of 276,870 chromosomes). The threonine at codon 209 is highly conserved considering 13 species up to C. elegans (Alamut software v2.10.0), and computational analyses predict that this variant does affect the structure/function of the COQ8A protein (SIFT: damaging, PolyPhen2: probably damaging, MutationTaster: disease causing). Based on the available information, the clinical significance of the p.Thr209Met variant cannot be determined with certainty.

Literature cited by the submitters: PubMed 34234304 (cited by Labcorp Genetics (formerly Invitae), Labcorp).

NM_020247.5(COQ8A):c.626C>T (p.Thr209Met)

Gene: COQ8A (coenzyme Q8A; plus strand). Cytogenetic location: 1q42.13.
Variant type: single nucleotide variant.
Coding change: c.626C>T on transcript NM_020247.5 (MANE Select); coding-DNA position 626, C replaced by T.
Protein change: p.Thr209Met; replaces threonine 209 with methionine.
Molecular consequence: missense variant.
Genome position (GRCh38, 1-based): chr1:226,965,708, C>T. VCF-style: chr1-226965708-C-T. GRCh37 (hg19) VCF-style: chr1-227153409-C-T.
Other names: short protein forms T209M.
Identifiers: ClinVar variation 618518 (VCV000618518.14), dbSNP rs764173526, ClinGen allele CA1425077.